The following is an entry in ClinVar:

NM_001173467.3(SP7):c.1091C>T (p.Thr364Ile)

Gene: SP7 (Sp7 transcription factor; minus strand). Cytogenetic location: 12q13.13.
Variant type: single nucleotide variant.
Coding change: c.1091C>T on transcript NM_001173467.3 (MANE Select); coding-DNA position 1091, C replaced by T.
Protein change: p.Thr364Ile; replaces threonine 364 with isoleucine.
Molecular consequence: missense variant.
Genome position (GRCh38, 1-based): chr12:53,328,351, G>A on the plus strand (C>T on the coding strand, the complement: SP7 is on the minus strand). VCF-style: chr12-53328351-G-A. GRCh37 (hg19) VCF-style: chr12-53722135-G-A.
Other names: c.1037C>T, p.Thr346Ile (NM_001300837.2); c.1091C>T, p.Thr364Ile (NM_152860.2); short protein forms T364I, T346I.
Identifiers: ClinVar variation 2022992 (VCV002022992.4), dbSNP rs749653099, ClinGen allele CA385051402.

ClinVar aggregate classification (germline): Uncertain significance (1 of 4 stars; one submission).

Submission:

Labcorp Genetics (formerly Invitae), Labcorp
Classification: Uncertain significance. Last evaluated: 2022-08-09. Review status: criteria provided, single submitter. Criteria: Invitae Variant Classification Sherloc (09022015). Collection method: clinical testing. Allele origin: germline.
Comment: This sequence change replaces threonine, which is neutral and polar, with isoleucine, which is neutral and non-polar, at codon 364 of the SP7 protein (p.Thr364Ile). In summary, the available evidence is currently insufficient to determine the role of this variant in disease. Therefore, it has been classified as a Variant of Uncertain Significance. Algorithms developed to predict the effect of missense changes on protein structure and function are either unavailable or do not agree on the potential impact of this missense change (SIFT: "Deleterious"; PolyPhen-2: "Possibly Damaging"; Align-GVGD: "Class C0"). This variant has not been reported in the literature in individuals affected with SP7-related conditions. This variant is not present in population databases (gnomAD no frequency).